The following is an entry in ClinVar:

ClinVar aggregate classification (germline): Uncertain significance (1 of 4 stars; one submission).

gnomAD v4.1: 1 of 1,605,894 alleles (0.000062%); highest among the groups gnomAD compares: Non-Finnish European, 0.000085%; no homozygotes.

Submission:

Labcorp Genetics (formerly Invitae), Labcorp
Classification: Uncertain significance. Last evaluated: 2025-09-11. Review status: criteria provided, single submitter. Criteria: Invitae Variant Classification Sherloc (09022015). Collection method: clinical testing. Allele origin: germline.
Comment: This sequence change replaces aspartic acid, which is acidic and polar, with asparagine, which is neutral and polar, at codon 279 of the EXOC6B protein (p.Asp279Asn). This variant is not present in population databases (gnomAD no frequency). This variant has not been reported in the literature in individuals affected with EXOC6B-related conditions. ClinVar contains an entry for this variant (Variation ID: 2129575). Experimental studies and prediction algorithms are not available or were not evaluated, and the functional significance of this variant is currently unknown. In summary, the available evidence is currently insufficient to determine the role of this variant in disease. Therefore, it has been classified as a Variant of Uncertain Significance.

NM_015189.3(EXOC6B):c.835G>A (p.Asp279Asn)

Gene: EXOC6B (exocyst complex component 6B; minus strand). Cytogenetic location: 2p13.2.
Variant type: single nucleotide variant.
Coding change: c.835G>A on transcript NM_015189.3 (MANE Select); coding-DNA position 835, G replaced by A.
Protein change: p.Asp279Asn; replaces aspartic acid 279 with asparagine.
Molecular consequence: missense variant. On other transcripts: non-coding transcript variant (2).
Genome position (GRCh38, 1-based): chr2:72,575,503, C>T on the plus strand (G>A on the coding strand, the complement: EXOC6B is on the minus strand). VCF-style: chr2-72575503-C-T. GRCh37 (hg19) VCF-style: chr2-72802632-C-T.
Other names: c.835G>A, p.Asp279Asn (NM_001321729.2, NM_001321730.2, NM_001321731.2 and 1 more transcripts); c.496G>A, p.Asp166Asn (NM_001321734.2); short protein forms D166N, D279N.
Identifiers: ClinVar variation 2129575 (VCV002129575.4), dbSNP rs2468046529, ClinGen allele CA347431855.
Genomic context (GRCh38, chr2:72,575,503, plus strand): 5'-TATTTAAGCTTAAAAATAGTCTCACTTCCCAACATCAAATGTTACTTACCTCTTCATCAT[C>T]TTCCTCGTCTTCAACATCCAGAATTCCTGAATCCTGTTCAGACTTCGGACTAGTACTTTC-3'
Protein context (NP_056004.1, residues 269-289): SGILDVEDEE[Asp279Asn]DEEVPGAQDL